The following is an entry in ClinVar:

NM_005732.4(RAD50):c.991A>G (p.Lys331Glu)

Gene: RAD50 (RAD50 double strand break repair protein; plus strand). Cytogenetic location: 5q31.1.
Variant type: single nucleotide variant.
Coding change: c.991A>G on transcript NM_005732.4 (MANE Select); coding-DNA position 991, A replaced by G.
Protein change: p.Lys331Glu; replaces lysine 331 with glutamic acid.
Molecular consequence: missense variant.
Genome position (GRCh38, 1-based): chr5:132,588,029, A>G. VCF-style: chr5-132588029-A-G. GRCh37 (hg19) VCF-style: chr5-131923721-A-G.
Other names: short protein forms K331E.
Identifiers: ClinVar variation 938025 (VCV000938025.13), dbSNP rs1224907828, ClinGen allele CA360941314.

ClinVar aggregate classification (germline): Uncertain significance. Review status: criteria provided, multiple submitters, no conflicts (2 of 4 stars). 2 submissions from 2 submitters: Uncertain significance (2). Last evaluated 2025-09-12.

Conditions:
Hereditary cancer-predisposing syndrome. Also called: Tumor predisposition; Hereditary neoplastic syndrome; Hereditary Cancer Syndrome; Neoplastic Syndromes, Hereditary. Identifiers: Orphanet 140162, MedGen C0027672, MeSH D009386, MONDO:0015356.

Allele frequency attached by ClinVar (database versions not stated): gnomAD exomes below 0.00001.
gnomAD v4.1: 4 of 1,612,634 alleles (0.00025%); highest among the groups gnomAD compares: South Asian, 0.0033%; no homozygotes.

Submissions (2):

Labcorp Genetics (formerly Invitae), Labcorp
Classification: Uncertain significance for Hereditary cancer-predisposing syndrome. Last evaluated: 2025-09-12. Review status: criteria provided, single submitter. Criteria: Invitae Variant Classification Sherloc (09022015). Collection method: clinical testing. Allele origin: germline.
Comment: This sequence change replaces lysine, which is basic and polar, with glutamic acid, which is acidic and polar, at codon 331 of the RAD50 protein (p.Lys331Glu). This variant is present in population databases (no rsID available, gnomAD 0.003%). This variant has not been reported in the literature in individuals affected with RAD50-related conditions. ClinVar contains an entry for this variant (Variation ID: 938025). Invitae Evidence Modeling of protein sequence and biophysical properties (such as structural, functional, and spatial information, amino acid conservation, physicochemical variation, residue mobility, and thermodynamic stability) indicates that this missense variant is not expected to disrupt RAD50 protein function with a negative predictive value of 80%. In summary, the available evidence is currently insufficient to determine the role of this variant in disease. Therefore, it has been classified as a Variant of Uncertain Significance.

Ambry Genetics
Classification: Uncertain significance for Hereditary cancer-predisposing syndrome. Last evaluated: 2024-10-11. Review status: criteria provided, single submitter. Criteria: Ambry Variant Classification Scheme 2023. Collection method: clinical testing. Allele origin: germline.
Comment: The p.K331E variant (also known as c.991A>G), located in coding exon 7 of the RAD50 gene, results from an A to G substitution at nucleotide position 991. The lysine at codon 331 is replaced by glutamic acid, an amino acid with similar properties. This amino acid position is conserved. In addition, this alteration is predicted to be tolerated by in silico analysis. Since supporting evidence is limited at this time, the clinical significance of this alteration remains unclear.